The following is an entry in ClinVar:

ClinVar aggregate classification (germline): Likely pathogenic (1 of 4 stars; one submission).

Conditions:
Autosomal recessive polycystic kidney disease (ARPKD). Also called: AR polycystic kidney disease. Identifiers: Orphanet 731, Orphanet 8378, MedGen C0085548, MeSH D017044, MONDO:0009889.

Submission:

Natera, Inc.
Classification: Likely pathogenic for Autosomal recessive polycystic kidney disease. Last evaluated: 2024-09-30. Review status: criteria provided, single submitter. Criteria: Natera Variant Classification Schema (03/2026). Collection method: clinical testing. Allele origin: germline.
Comment: The c.8554+1G>T variant in PKHD1 is a canonical splice donor site variant predicted to affect pre-mRNA splicing, which may result in an abnormal transcript and altered protein product. This variant is expected to result in nonsense mediated decay, truncation, or a dysfunctional protein product. This variant is rare in the general population with a frequency below the threshold expected for the associated phenotype(s). Given the available evidence, this variant is classified as Likely Pathogenic.

NM_138694.4(PKHD1):c.8554+1G>T

Gene: PKHD1 (PKHD1 ciliary IPT domain containing fibrocystin/polyductin; minus strand). Cytogenetic location: 6p12.3.
Variant type: single nucleotide variant.
Coding change: c.8554+1G>T on transcript NM_138694.4 (MANE Select); the canonical splice donor site of the intron after coding-DNA position 8554, G replaced by T.
Molecular consequence: splice donor variant.
Genome position (GRCh38, 1-based): chr6:51,775,807, C>A on the plus strand (G>T on the coding strand, the complement: PKHD1 is on the minus strand). VCF-style: chr6-51775807-C-A. GRCh37 (hg19) VCF-style: chr6-51640605-C-A.
Other names: c.8554+1G>T (NM_170724.3).
Identifiers: ClinVar variation 4816776 (VCV004816776.1).